The following is an entry in ClinVar:

NM_001567.4(INPPL1):c.1088G>T (p.Arg363Leu)

Gene: INPPL1 (inositol polyphosphate phosphatase like 1; plus strand). Cytogenetic location: 11q13.4.
Variant type: single nucleotide variant.
Coding change: c.1088G>T on transcript NM_001567.4 (MANE Select); coding-DNA position 1088, G replaced by T.
Protein change: p.Arg363Leu; replaces arginine 363 with leucine.
Molecular consequence: missense variant.
Genome position (GRCh38, 1-based): chr11:72,230,269, G>T. VCF-style: chr11-72230269-G-T. GRCh37 (hg19) VCF-style: chr11-71941313-G-T.
Other names: c.1088G>T (NM_001567.3); short protein forms R363L.
Identifiers: ClinVar variation 1054225 (VCV001054225.10), dbSNP rs927834612, ClinGen allele CA224375955.
Genomic context (GRCh38, chr11:72,230,269, plus strand): 5'-TGGTGCTGCTGCGGAGACAGCGGGACTCCCAGGAGGACTGGACCACCTTCACGCACGACC[G>T]CAGTGAGCCAGGGCCAGACCTGGGAGGGGTGGGCAGGGCGGAGCCCCTGGCCTAGGGGCA-3'
Protein context (NP_001558.3, residues 353-373): QEDWTTFTHD[Arg363Leu]IRQLIKSQRV

ClinVar aggregate classification (germline): Uncertain significance. Review status: criteria provided, multiple submitters, no conflicts (2 of 4 stars). 2 submissions from 2 submitters: Uncertain significance (2). Last evaluated 2025-03-01.

Conditions:
Inborn genetic diseases. Identifiers: MedGen C0950123, MeSH D030342.

gnomAD v4.1: 2 of 1,607,634 alleles (0.00012%); highest among the groups gnomAD compares: African/African-American, 0.0013%; no homozygotes.

Submissions (2):

Ambry Genetics
Classification: Uncertain significance for Inborn genetic diseases. Last evaluated: 2025-03-01. Review status: criteria provided, single submitter. Criteria: Ambry Variant Classification Scheme 2023. Collection method: clinical testing. Allele origin: germline.

Labcorp Genetics (formerly Invitae), Labcorp
Classification: Uncertain significance. Last evaluated: 2020-02-27. Review status: criteria provided, single submitter. Criteria: Invitae Variant Classification Sherloc (09022015). Collection method: clinical testing. Allele origin: germline.
Comment: In summary, the available evidence is currently insufficient to determine the role of this variant in disease. Therefore, it has been classified as a Variant of Uncertain Significance. Algorithms developed to predict the effect of missense changes on protein structure and function are either unavailable or do not agree on the potential impact of this missense change (SIFT: "Tolerated"; PolyPhen-2: "Possibly Damaging"; Align-GVGD: "Class C0"). This variant has not been reported in the literature in individuals with INPPL1-related conditions. This variant is not present in population databases (ExAC no frequency). This sequence change replaces arginine with leucine at codon 363 of the INPPL1 protein (p.Arg363Leu). The arginine residue is moderately conserved and there is a moderate physicochemical difference between arginine and leucine.